The following is an entry in ClinVar:

NM_020778.5(ALPK3):c.1880C>T (p.Thr627Ile)

Gene: ALPK3 (alpha kinase 3; plus strand). Cytogenetic location: 15q25.3.
Variant type: single nucleotide variant.
Coding change: c.1880C>T on transcript NM_020778.5 (MANE Select); coding-DNA position 1880, C replaced by T.
Protein change: p.Thr627Ile; replaces threonine 627 with isoleucine.
Molecular consequence: missense variant.
Genome position (GRCh38, 1-based): chr15:84,856,618, C>T. VCF-style: chr15-84856618-C-T. GRCh37 (hg19) VCF-style: chr15-85399849-C-T.
Other names: short protein forms T627I.
Identifiers: ClinVar variation 3666604 (VCV003666604.2).

ClinVar aggregate classification (germline): Uncertain significance (1 of 4 stars; one submission).

gnomAD v4.1: 1 of 1,614,080 alleles (0.000062%); highest among the groups gnomAD compares: Non-Finnish European, 0.000085%; no homozygotes.

Submission:

Labcorp Genetics (formerly Invitae), Labcorp
Classification: Uncertain significance. Last evaluated: 2024-12-04. Review status: criteria provided, single submitter. Criteria: Invitae Variant Classification Sherloc (09022015). Collection method: clinical testing. Allele origin: germline.
Comment: This sequence change replaces threonine, which is neutral and polar, with isoleucine, which is neutral and non-polar, at codon 829 of the ALPK3 protein (p.Thr829Ile). This variant is not present in population databases (gnomAD no frequency). This variant has not been reported in the literature in individuals affected with ALPK3-related conditions. Invitae Evidence Modeling of protein sequence and biophysical properties (such as structural, functional, and spatial information, amino acid conservation, physicochemical variation, residue mobility, and thermodynamic stability) indicates that this missense variant is expected to disrupt ALPK3 protein function with a positive predictive value of 80%. In summary, the available evidence is currently insufficient to determine the role of this variant in disease. Therefore, it has been classified as a Variant of Uncertain Significance.